The following is an entry in ClinVar:

NM_130384.3(ATRIP):c.1261C>T (p.Pro421Ser)

Genes: ATRIP (ATR interacting protein; plus strand), ATRIP-TREX1 (ATRIP-TREX1 readthrough; plus strand). Cytogenetic location: 3p21.31.
Variant type: single nucleotide variant.
Coding change: c.1261C>T on transcript NM_130384.3 (MANE Select); coding-DNA position 1261, C replaced by T.
Protein change: p.Pro421Ser; replaces proline 421 with serine.
Molecular consequence: missense variant. On other transcripts: non-coding transcript variant (1).
Genome position (GRCh38, 1-based): chr3:48,460,315, C>T. VCF-style: chr3-48460315-C-T. GRCh37 (hg19) VCF-style: chr3-48501714-C-T.
Other names: c.880C>T, p.Pro294Ser (NM_001271022.2); c.982C>T, p.Pro328Ser (NM_001271023.2); c.1261C>T, p.Pro421Ser (NM_032166.4); short protein forms P328S, P421S, P294S.
Identifiers: ClinVar variation 4644596 (VCV004644596.1).

ClinVar aggregate classification (germline): Uncertain significance (1 of 4 stars; one submission).

Submission:

Ambry Genetics
Classification: Uncertain significance. Last evaluated: 2025-11-26. Review status: criteria provided, single submitter. Criteria: Ambry Variant Classification Scheme 2023. Collection method: clinical testing. Allele origin: germline.
Comment: The p.P421S variant (also known as c.1261C>T), located in coding exon 8 of the ATRIP gene, results from a C to T substitution at nucleotide position 1261. The proline at codon 421 is replaced by serine, an amino acid with similar properties. This amino acid position is conserved. In addition, the in silico prediction for this alteration is inconclusive. Based on the available evidence, the clinical significance of this variant remains unclear.